The following is an entry in ClinVar:

NM_005051.3(QARS1):c.1613G>A (p.Arg538Gln)

Gene: QARS1 (glutaminyl-tRNA synthetase 1; minus strand). Cytogenetic location: 3p21.31.
Variant type: single nucleotide variant.
Coding change: c.1613G>A on transcript NM_005051.3 (MANE Select); coding-DNA position 1613, G replaced by A.
Protein change: p.Arg538Gln; replaces arginine 538 with glutamine.
Molecular consequence: missense variant. On other transcripts: non-coding transcript variant (1).
Genome position (GRCh38, 1-based): chr3:49,099,345, C>T on the plus strand (G>A on the coding strand, the complement: QARS1 is on the minus strand). VCF-style: chr3-49099345-C-T. GRCh37 (hg19) VCF-style: chr3-49136778-C-T.
Other names: c.1580G>A, p.Arg527Gln (NM_001272073.2); c.1613G>A (NM_005051.1); short protein forms R527Q, R538Q.
Identifiers: ClinVar variation 813576 (VCV000813576.9), dbSNP rs778807845, ClinGen allele CA2391694.
Genomic context (GRCh38, chr3:49,099,345, plus strand): 5'-ACAATCACAAACTGCCACACTCAACCCCCAATGTATCTACCCAACCTGCTGGGCTATACC[C>T]GGGCACAGAAGTTGTTGATGGCCTCAGGTGGGAAGCCCCGCCGTCGCAGGGCCGTGAGTG-3'
Protein context (NP_005042.1, residues 528-548): PPEAINNFCA[Arg538Gln]VGVTVAQTTM

ClinVar aggregate classification (germline): Uncertain significance. Review status: criteria provided, multiple submitters, no conflicts (2 of 4 stars). 4 submissions from 4 submitters: Uncertain significance (3). 1 of the submissions does not count toward it. Last evaluated 2025-03-01.

Conditions:
Inborn genetic diseases. Identifiers: MedGen C0950123, MeSH D030342.
Microcephaly. Also called: Microcephaly (disease). Identifiers: MedGen C4551563, MONDO:0001149, HP:0000252.
Diffuse cerebral and cerebellar atrophy - intractable seizures - progressive microcephaly syndrome. Also called: Microcephaly, progressive, with seizures and cerebral and cerebellar atrophy. Identifiers: Orphanet 404437, MedGen C4014239, MONDO:0014335, OMIM 615760.

Allele frequency attached by ClinVar (database versions not stated): gnomAD exomes 0.00005 and 0.00009; TOPMed 0.00005; ExAC 0.00007.
gnomAD v4.1: 129 of 1,614,032 alleles (0.008%); highest among the groups gnomAD compares: East Asian, 0.23%; no homozygotes.

Submissions (4):

Ambry Genetics
Classification: Uncertain significance for Inborn genetic diseases. Last evaluated: 2025-03-01. Review status: criteria provided, single submitter. Criteria: Ambry Variant Classification Scheme 2023. Collection method: clinical testing. Allele origin: germline.

GeneDx
Classification: Uncertain significance. Last evaluated: 2024-07-01. Review status: criteria provided, single submitter. Criteria: GeneDx Variant Classification Process June 2021. Collection method: clinical testing. Allele origin: germline. Affected: yes.
Comment: In silico analysis indicates that this missense variant does not alter protein structure/function; Has not been previously published as pathogenic or benign to our knowledge; This variant is associated with the following publications: (PMID: 25471517)

Labcorp Genetics (formerly Invitae), Labcorp
Classification: Uncertain significance for Diffuse cerebral and cerebellar atrophy - intractable seizures - progressive microcephaly syndrome. Last evaluated: 2022-08-16. Review status: criteria provided, single submitter. Criteria: Invitae Variant Classification Sherloc (09022015). Collection method: clinical testing. Allele origin: germline.
Comment: This sequence change replaces arginine, which is basic and polar, with glutamine, which is neutral and polar, at codon 538 of the QARS protein (p.Arg538Gln). This variant is present in population databases (rs778807845, gnomAD 0.02%). This variant has not been reported in the literature in individuals affected with QARS-related conditions. ClinVar contains an entry for this variant (Variation ID: 813576). Algorithms developed to predict the effect of missense changes on protein structure and function are either unavailable or do not agree on the potential impact of this missense change (SIFT: "Tolerated"; PolyPhen-2: "Probably Damaging"; Align-GVGD: "Class C0"). Algorithms developed to predict the effect of sequence changes on RNA splicing suggest that this variant may disrupt the consensus splice site. In summary, the available evidence is currently insufficient to determine the role of this variant in disease. Therefore, it has been classified as a Variant of Uncertain Significance.

Department of Pediatrics, Samsung Medical Center, Samsung Medical Center
Classification: Uncertain significance for Microcephaly. Review status: no assertion criteria provided. Criteria: ACMG Guidelines, 2015. Collection method: research. Allele origin: germline. Affected: yes. Not counted in ClinVar's aggregate classification.